The following is an entry in ClinVar:

ClinVar aggregate classification (germline): Benign (0 of 4 stars; one submission).

Conditions:
CGNL1-related disorder. Also called: CGNL1-related condition.

Allele frequency attached by ClinVar (database versions not stated): 1000 Genomes Project 30x 0.00203; 1000 Genomes Project 0.00220.
gnomAD v4.1: 660 of 1,614,184 alleles (0.041%); highest among the groups gnomAD compares: African/African-American, 0.76%; 4 homozygotes.

Submission:

PreventionGenetics, part of Exact Sciences
Classification: Benign for CGNL1-related condition. Last evaluated: 2019-10-28. Review status: no assertion criteria provided. Collection method: clinical testing. Allele origin: germline.
Comment: This variant is classified as benign based on ACMG/AMP sequence variant interpretation guidelines (Richards et al. 2015 PMID: 25741868, with internal and published modifications).

NM_032866.5(CGNL1):c.3789G>A (p.Pro1263=)

Gene: CGNL1 (cingulin like 1; plus strand). Cytogenetic location: 15q21.3.
Variant type: single nucleotide variant.
Coding change: c.3789G>A on transcript NM_032866.5 (MANE Select); coding-DNA position 3789, G replaced by A.
Protein change: p.Pro1263=; no amino-acid change (proline 1263 retained).
Molecular consequence: synonymous variant.
Genome position (GRCh38, 1-based): chr15:57,547,370, G>A. VCF-style: chr15-57547370-G-A. GRCh37 (hg19) VCF-style: chr15-57839568-G-A.
Other names: c.3789G>A, p.Pro1263= (NM_001252335.2).
Identifiers: ClinVar variation 3040985 (VCV003040985.2), dbSNP rs145594414, ClinGen allele CA7582707.